The following is an entry in ClinVar:

NM_000170.3(GLDC):c.2423_2426dup (p.Ile810fs)

Gene: GLDC (glycine decarboxylase; minus strand). Cytogenetic location: 9p24.1.
Variant type: Duplication.
Coding change: c.2423_2426dup on transcript NM_000170.3 (MANE Select); coding-DNA positions 2423 to 2426, 4 bases duplicated (GTTC; older notation c.2423_2426dupGTTC).
Protein change: p.Ile810fs; shifts the reading frame from isoleucine 810.
Molecular consequence: frameshift variant.
Genome position (GRCh38, 1-based): chr9:6,553,399-6,553,402, GAAC duplicated on the plus strand (GTTC on the coding strand, the reverse complement: GLDC is on the minus strand). VCF-style (leftmost placement, unchanged base first): chr9-6553398-G-GGAAC. GRCh37 (hg19) VCF-style: chr9-6553398-G-GGAAC.
Other names: c.2423_2426dupGTTC (NM_000170.2); short protein forms I810fs.
Identifiers: ClinVar variation 495699 (VCV000495699.14), dbSNP rs755313904, ClinGen allele CA4980237.

ClinVar aggregate classification (germline): Pathogenic/Likely pathogenic. Review status: criteria provided, multiple submitters, no conflicts (2 of 4 stars). 4 submissions from 4 submitters: Pathogenic (2); Likely pathogenic (2). Last evaluated 2024-08-13.

Conditions:
Glycine encephalopathy. Also called: Nonketotic hyperglycinemia; Non-ketotic hyperglycinemia. Identifiers: Orphanet 407, MedGen C0751748, MONDO:0011612, HP:0008288.

Allele frequency attached by ClinVar (database versions not stated): gnomAD exomes below 0.00001; ExAC 0.00001.

Submissions (4):

Natera, Inc.
Classification: Likely pathogenic for Non-ketotic hyperglycinemia. Last evaluated: 2024-08-13. Review status: criteria provided, single submitter. Criteria: Natera Variant Classification Schema (03/2026). Collection method: clinical testing. Allele origin: germline.
Comment: The c.2423_2426dupGTTC variant in GLDC is a frameshift variant predicted to shift the reading frame beginning at codon 810 and leads to a stop codon 19 codons downstream. This variant is expected to result in nonsense mediated decay, truncation, or a dysfunctional protein product. This variant is rare in the general population with a frequency below the threshold expected for the associated phenotype(s). Given the available evidence, this variant is classified as Likely Pathogenic.

Labcorp Genetics (formerly Invitae), Labcorp
Classification: Pathogenic for Glycine encephalopathy. Last evaluated: 2020-09-16. Review status: criteria provided, single submitter. Criteria: Invitae Variant Classification Sherloc (09022015). Collection method: clinical testing. Allele origin: germline.
Comment: For these reasons, this variant has been classified as Pathogenic. Loss-of-function variants in GLDC are known to be pathogenic (PMID: 16601880). This variant has not been reported in the literature in individuals with GLDC-related conditions. ClinVar contains an entry for this variant (Variation ID: 495699). This variant is present in population databases (rs755313904, ExAC 0.001%). This sequence change creates a premature translational stop signal (p.Ile810Phefs*19) in the GLDC gene. It is expected to result in an absent or disrupted protein product.

Women's Health and Genetics/Laboratory Corporation of America, LabCorp
Classification: Likely pathogenic for Glycine encephalopathy. Last evaluated: 2016-02-11. Review status: criteria provided, single submitter. Criteria: LabCorp Variant Classification Summary - May 2015. Collection method: clinical testing. Allele origin: germline.

Eurofins Ntd Llc (ga)
Classification: Pathogenic. Last evaluated: 2015-08-11. Review status: criteria provided, single submitter. Criteria: EGL Classification Definitions. Collection method: clinical testing. Allele origin: germline. Observed: 1 variant allele, 1 heterozygote.

Literature cited by the submitters: PubMed 16601880 (cited by Labcorp Genetics (formerly Invitae), Labcorp).